The following continues an entry in ClinVar:

NM_020975.6(RET):c.1826G>A (p.Cys609Tyr)

Gene: RET. ClinVar aggregate classification (germline): Pathogenic. Pathogenic (19).

Submissions 7 to 16 of 22:

ARUP Laboratories, Molecular Genetics and Genomics, ARUP Laboratories
Classification: Pathogenic. Last evaluated: 2025-02-26. Review status: criteria provided, single submitter. Criteria: ARUP Molecular Germline Variant Investigation Process 2024. Collection method: clinical testing. Allele origin: germline.
Comment: The RET c.1826G>A; p.Cys609Tyr variant (rs77939446) has been reported in multiple individuals diagnosed with multiple endocrine neoplasia type 2A (MEN2A), familial medullary thyroid carcinoma (FMTC) and Hirschsprung disease, and is considered a variant of moderate risk by the American Thyroid Association (Wells 2015). The variant is listed in the ClinVar database (Variation ID: 13933) and is found on only one allele in the Genome Aggregation Database, indicating it is not a common polymorphism. This variant lies within a cysteine rich domain; pathogenic variants resulting in the loss of a cysteine residue are common in these repeats and are predicted to disrupt protein structure, resulting in aberrant activation of the RET protein (Amoresano 2005, Chappuis-Flament 1998, Ito 1997). Additionally, other amino acid substitutions at this codon (Arg, Gly, Phe, Ser, Trp) have been reported in individuals with MEN2A and FMTC and are considered pathogenic (Frank-Raue 2011, Paszko 2007, Romei 2010, Siegelman 1997). Based on available information, the p.Cys609Tyr variant is considered pathogenic. References: Amoresano A et al. Direct interactions among Ret, GDNF and GFRalpha1 molecules reveal new insights into the assembly of a functional three-protein complex. Cell Signal. 2005 Jun;17(6):717-27. PMID: 15722196 Chappuis-Flament S et al. Dual effect on the RET receptor of MEN 2 mutations affecting specific extracytoplasmic cysteines. Oncogene. 1998 Dec 3;17(22):2851-61. PMID: 9879991 Frank-Raue K et al. Risk profiles and penetrance estimations in multiple endocrine neoplasia type 2A caused by germline RET mutations located in exon 10. Hum Mutat. 2011 Jan;32(1):51-8. PMID: 20979234 Ito S et al. Biological properties of Ret with cysteine mutations correlate with multiple endocrine neoplasia type 2A, familial medullary thyroid carcinoma, and Hirschsprung's disease phenotype. Cancer Res. 1997 Jul 15;57(14):2870-2. PMID: 9230192 Paszko Z et al. The occurrence and the type of germline mutations in the RET gene in patients with medullary thyroid carcinoma and their unaffected kindred's from Central Poland. Cancer Invest. 2007 Dec;25(8):742-9. PMID: 18058472 Romei C et al. Multiple endocrine neoplasia type 2 syndromes (MEN 2): results from the ItaMEN network analysis on the prevalence of different genotypes and phenotypes. Eur J Endocrinol. 2010 Aug;163(2):301-8. PMID: 20516206 Siegelman M et al. Rapid, nonradioactive screening for mutations in exons 10, 11, and 16 of the RET protooncogene associated with inherited medullary thyroid carcinoma. Clin Chem. 1997 Mar;43(3):453-7. PMID: 9068588 Wells S et al. Revised American Thyroid Association Guidelines for the Management of Medullary Thyroid Carcinoma. Thyroid. 2015 25(6):567-610. PMID: 25810047

All of Us Research Program, National Institutes of Health
Classification: Pathogenic for Multiple endocrine neoplasia, type 2. Last evaluated: 2024-08-07. Review status: criteria provided, single submitter. Criteria: ACMG Guidelines, 2015. Collection method: clinical testing. Allele origin: germline. Inheritance: Autosomal dominant inheritance. Observed: 1 variant allele, 1 heterozygote.
Comment: The c.1826G>A (p.Cys609Tyr) variant in RET has been reported in multiple individuals with medullary thyroid carcinoma (PMID: 15991157, 15699703, 16865647, 17021738, 24144365, 28647780, 36222615) or multiple endocrine neoplasia type 2A (PMID: 18063059, 18206480, 19472011, 21986619, 22270996, 25497412, 25440022, 27994876, 29579362, 33680468). This variant has also been observed to co-segregate with disease in related individuals. Experimental studies have shown that this missense change affects RET protein function and expression (PMID: 9230192, 16715139, 18984779). This variant is rare (1/248,472) in the general population database, gnomAD. ClinVar contains an entry for this variant (ID: 13933). Based on the evidence available this variant is classified as pathogenic.

This study involves interpretation of variants in research participants for the purpose of population health screening. Participant phenotype was not available at the time of variant classification. Additional details can be found in publication PMID: 35346344, PMCID: PMC8962531

Baylor Genetics
Classification: Pathogenic for Hirschsprung disease, susceptibility to, 1. Last evaluated: 2024-03-20. Review status: criteria provided, single submitter. Criteria: ACMG Guidelines, 2015. Collection method: clinical testing. Allele origin: unknown.

Women's Health and Genetics/Laboratory Corporation of America, LabCorp
Classification: Pathogenic for Multiple endocrine neoplasia, type 2. Last evaluated: 2023-10-04. Review status: criteria provided, single submitter. Criteria: LabCorp Variant Classification Summary - May 2015. Collection method: clinical testing. Allele origin: germline.
Comment: Variant summary: RET c.1826G>A (p.Cys609Tyr) results in a non-conservative amino acid change in the encoded protein sequence. Five of five in-silico tools predict a damaging effect of the variant on protein function. The variant allele was found at a frequency of 4e-06 in 248472 control chromosomes. c.1826G>A has been widely reported in the literature as a well-established disease causing variant in multiple individuals affected with Multiple Endocrine Neoplasia Type 2/Familial Medullary Thyroid Carcinoma and in those with Hirschsprung disease (example, Balugrund_1994, Halling_1997, Decker_1998, Ahmed_2005, Fialkowski_2008, Vaclavikova_2012). These data indicate that the variant is very likely to be associated with disease. Several publications report experimental evidence evaluating an impact on protein function. The most pronounced variant effect results in enhanced cell cycle progression supported by demonstration of increased cell proliferation in-vivo and in-vitro (example, Mise_2006). The following publications have been ascertained in the context of this evaluation (PMID: 15858153, 7849720, 9498388, 10462620, 9230192, 16715139, 18206480, 21986619). Multiple submitters have cited clinical-significance assessments for this variant to ClinVar after 2014. All submitters classified the variant as pathogenic/likely pathogenic. Based on the evidence outlined above, the variant was classified as pathogenic.

Myriad Genetics, Inc.
Classification: Pathogenic for Multiple endocrine neoplasia type 2A. Last evaluated: 2023-04-18. Review status: criteria provided, single submitter. Criteria: Myriad Autosomal Dominant, Autosomal Recessive and X-Linked Classification Criteria (2023). Collection method: clinical testing. Allele origin: unknown.
Comment: This variant is considered pathogenic. Functional studies indicate this variant impacts protein function [PMID: 9230192, 16715139]. This variant has been reported in multiple individuals with clinical features of gene-specific disease [PMID: 19472011, 27994876, 15858153, 21986619, 20979234, 18206480, 25810047].

Blueprint Genetics
Classification: Pathogenic for RET-related disorders. Last evaluated: 2022-06-17. Review status: criteria provided, single submitter. Criteria: ACMG Guidelines, 2015. Collection method: clinical testing. Allele origin: germline. Affected: yes. Observed: 1 variant allele.

Victorian Clinical Genetics Services, Murdoch Childrens Research Institute
Classification: Pathogenic for Multiple endocrine neoplasia type 2A. Last evaluated: 2022-03-31. Review status: criteria provided, single submitter. Criteria: ACMG Guidelines, 2015. Collection method: clinical testing. Allele origin: germline. Inheritance: Autosomal dominant inheritance.
Comment: Based on the classification scheme VCGS_Germline_v1.3., this variant is classified as Pathogenic. Following criteria are met: 0103 - Loss of function and gain of function are known mechanisms of disease in this gene. Loss of function variants are associated with Hirschsprung disease (MIM#142623), while gain of function variants cause multiple endocrine neoplasia IIA (MEN2A, MIM#171400), multiple endocrine neoplasia IIB (MEN2B, MIM#162300), and medullary thyroid carcinoma (MTC, MIM#155240). A subset of RET cysteine variants, sometimes referred to as Janus variants, can lead to a partial loss-of-function phenotype, as well as to oncogenic effects (PMID: 22584710, OMIM). (I) 0107 - This gene is associated with autosomal dominant disease. (I) 0112 - The condition associated with this gene has incomplete penetrance (OMIM). (I) 0200 - Variant is predicted to result in a missense amino acid change from cysteine to tyrosine. (I) 0251 - This variant is heterozygous. (I) 0302 - Variant is present in gnomAD (v3) <0.001 for a dominant condition (2 heterozygotes, 0 homozygotes). (SP) 0501 - Missense variant consistently predicted to be damaging by multiple in silico tools or highly conserved with a major amino acid change. (SP) 0602 - Variant is located in a hotspot region or cluster of pathogenic variants. This variant is located in a missense hotspot region in the extracellular cysteine rich domain (PMID: 22584710, DECIPHER). (SP) 0701 - Other missense variants comparable to the one identified in this case have very strong previous evidence for pathogenicity. Alternative amino acid changes to arginine, phenylalanine, glycine, and serine, have been reported in individuals with MEN2A (PMID: 20979234, ClinVar). (SP) 0801 - This variant has strong previous evidence of pathogenicity in unrelated individuals. This variant has been reported in multiple individuals with multiple endocrine neoplasia IIA (MEN2A), familial medullary thyroid carcinoma, and Hirschsprung disease (PMID: 20979234, PMID: 8733882, PMID: 7633441, ClinVar). (SP) 1208 - Inheritance information for this variant is not currently available in this individual. (I) Legend: (SP) - Supporting pathogenic, (I) - Information, (SB) - Supporting benign

GeneDx
Classification: Pathogenic. Last evaluated: 2021-12-16. Review status: criteria provided, single submitter. Criteria: GeneDx Variant Classification Process June 2021. Collection method: clinical testing. Allele origin: germline. Affected: yes.
Comment: Published functional studies demonstrate a damaging effect: significantly reduced transforming activity (Ito 1997); Not observed at a significant frequency in large population cohorts (Lek 2016); In silico analysis supports that this missense variant has a deleterious effect on protein structure/function; This variant is associated with the following publications: (PMID: 16715139, 22270996, 30763276, 20516206, 14633923, 18206480, 17021738, 18063059, 7907913, 9230192, 7849720, 15699703, 21986619, 9384613, 19472011, 27994876, 24705026, 10220148, 7595168, 18984779, 7633441, 20979234, 8901418, 12915470, 28647780, 29790872, 30927507, 31510104, 9498388, 12686527, 15531714, 10462620, 8855832, 31447099, 30787465, 33087929)

AiLife Diagnostics
Classification: Pathogenic. Last evaluated: 2021-07-20. Review status: criteria provided, single submitter. Criteria: ACMG Guidelines, 2015. Collection method: clinical testing. Allele origin: germline. Affected: yes. Observed: 1 variant allele.

HudsonAlpha Institute for Biotechnology
Classification: Pathogenic for Multiple endocrine neoplasia type 2A. Last evaluated: 2019-07-22. Review status: criteria provided, single submitter. Criteria: ACMG Guidelines, 2015. Collection method: research. Allele origin: unknown. Observed: 1 variant allele. Study: AGHI_GT.